The following is an entry in ClinVar:

NM_000179.3(MSH6):c.3683C>G (p.Ala1228Gly)

Gene: MSH6 (mutS homolog 6; plus strand). Cytogenetic location: 2p16.3.
Variant type: single nucleotide variant.
Coding change: c.3683C>G on transcript NM_000179.3 (MANE Select); coding-DNA position 3683, C replaced by G.
Protein change: p.Ala1228Gly; replaces alanine 1228 with glycine.
Molecular consequence: missense variant. On other transcripts: non-coding transcript variant (5).
Genome position (GRCh38, 1-based): chr2:47,806,240, C>G. VCF-style: chr2-47806240-C-G. GRCh37 (hg19) VCF-style: chr2-48033379-C-G.
Other names: c.3293C>G, p.Ala1098Gly (NM_001281492.2); c.2777C>G, p.Ala926Gly (NM_001281493.2, NM_001281494.2, NM_001406811.1 and 6 more transcripts); c.3779C>G, p.Ala1260Gly (NM_001406795.1, NM_001406802.1); c.3683C>G, p.Ala1228Gly (NM_001406796.1, NM_001406800.1, NM_001406808.1 and 1 more transcripts); c.3386C>G, p.Ala1129Gly (NM_001406797.1, NM_001406801.1, NM_001406805.1 and 10 more transcripts); c.3509C>G, p.Ala1170Gly (NM_001406798.1); c.3158C>G, p.Ala1053Gly (NM_001406799.1, NM_001406806.1, NM_001406807.1); c.2819C>G, p.Ala940Gly (NM_001406803.1); and 7 more; short protein forms A1053G, A1098G, A1129G, A1170G, A1172G, A1202G, A1228G, A1230G.
Identifiers: ClinVar variation 3069411 (VCV003069411.2), dbSNP rs2104538706, ClinGen allele CA346760918.

ClinVar aggregate classification (germline): Uncertain significance. Review status: criteria provided, multiple submitters, no conflicts (2 of 4 stars). 2 submissions from 2 submitters: Uncertain significance (2). Last evaluated 2025-07-07.

Conditions:
Lynch syndrome. Identifiers: Orphanet 144, MedGen C4552100, MONDO:0005835. Disease mechanism: loss of function.
Hereditary cancer-predisposing syndrome. Also called: Neoplastic Syndromes, Hereditary; Hereditary neoplastic syndrome; Tumor predisposition; Hereditary Cancer Syndrome. Identifiers: Orphanet 140162, MedGen C0027672, MeSH D009386, MONDO:0015356.

Submissions (2):

Ambry Genetics
Classification: Uncertain significance for Hereditary cancer-predisposing syndrome. Last evaluated: 2025-07-07. Review status: criteria provided, single submitter. Criteria: Ambry Variant Classification Scheme 2023. Collection method: clinical testing. Allele origin: germline.
Comment: The p.A1228G variant (also known as c.3683C>G), located in coding exon 8 of the MSH6 gene, results from a C to G substitution at nucleotide position 3683. The alanine at codon 1228 is replaced by glycine, an amino acid with similar properties. This amino acid position is conserved. In addition, this alteration is predicted to be deleterious by in silico analysis. Based on the available evidence, the clinical significance of this variant remains unclear.

All of Us Research Program, National Institutes of Health
Classification: Uncertain significance for Lynch syndrome. Last evaluated: 2023-02-10. Review status: criteria provided, single submitter. Criteria: ACMG Guidelines, 2015. Collection method: clinical testing. Allele origin: germline. Inheritance: Autosomal dominant inheritance. Observed: 1 variant allele, 1 heterozygote.
Comment: This study involves interpretation of variants in research participants for the purpose of population health screening. Participant phenotype was not available at the time of variant classification. Additional details can be found in publication PMID: 35346344, PMCID: PMC8962531